The following is an entry in ClinVar:

ClinVar aggregate classification (germline): Uncertain significance (1 of 4 stars; one submission).

Conditions:
Generalized epilepsy-paroxysmal dyskinesia syndrome (PNKD3). Also called: Generalized epilepsy and paroxysmal dyskinesia; Paroxysmal nonkinesigenic dyskinesia, 3, with or without generalized epilepsy. Identifiers: Orphanet 79137, MedGen C5574945, MONDO:0012276, OMIM 609446.

Submission:

Labcorp Genetics (formerly Invitae), Labcorp
Classification: Uncertain significance for Generalized epilepsy-paroxysmal dyskinesia syndrome. Last evaluated: 2020-07-31. Review status: criteria provided, single submitter. Criteria: Invitae Variant Classification Sherloc (09022015). Collection method: clinical testing. Allele origin: germline.
Comment: Algorithms developed to predict the effect of missense changes on protein structure and function (SIFT, PolyPhen-2, Align-GVGD) all suggest that this variant is likely to be tolerated, but these predictions have not been confirmed by published functional studies and their clinical significance is uncertain. In summary, the available evidence is currently insufficient to determine the role of this variant in disease. Therefore, it has been classified as a Variant of Uncertain Significance. This variant has not been reported in the literature in individuals with KCNMA1-related conditions. This variant is not present in population databases (ExAC no frequency). This sequence change replaces cysteine with arginine at codon 121 of the KCNMA1 protein (p.Cys121Arg). The cysteine residue is weakly conserved and there is a large physicochemical difference between cysteine and arginine.

NM_001161352.2(KCNMA1):c.361T>C (p.Cys121Arg)

Gene: KCNMA1 (potassium calcium-activated channel subfamily M alpha 1; minus strand). Cytogenetic location: 10q22.3.
Variant type: single nucleotide variant.
Coding change: c.361T>C on transcript NM_001161352.2 (MANE Select); coding-DNA position 361, T replaced by C.
Protein change: p.Cys121Arg; replaces cysteine 121 with arginine.
Molecular consequence: missense variant.
Genome position (GRCh38, 1-based): chr10:77,637,282, A>G on the plus strand (T>C on the coding strand, the complement: KCNMA1 is on the minus strand). VCF-style: chr10-77637282-A-G. GRCh37 (hg19) VCF-style: chr10-79397040-A-G.
Other names: c.361T>C, p.Cys121Arg (NM_001014797.3, NM_001161353.2, NM_001271518.2 and 12 more transcripts); short protein forms C121R.
Identifiers: ClinVar variation 1038593 (VCV001038593.9), dbSNP rs1390486916, ClinGen allele CA377412204.
Genomic context (GRCh38, chr10:77,637,282, plus strand): 5'-GGTGGGGCTGGCGCAGAGGGCGGGCGCCCGGGGCGCGCGTTACCTTCGTCTTGCCCCCGC[A>G]GTGGCAGCACACGGTCCACAGGTACTTGAGCGTCCGCCAGAGCAAGATGATGAAGAGGCC-3'
Protein context (NP_001154824.1, residues 111-131): LKYLWTVCCH[Cys121Arg]GGKTKEAQKI